The following is an entry in ClinVar:

ClinVar aggregate classification (germline): Uncertain significance (1 of 4 stars; one submission).

Conditions:
Epilepsy, familial adult myoclonic, 5 (EPEO5). Also called: CORTICAL MYOCLONIC TREMOR WITH EPILEPSY, FAMILIAL, 5. Identifiers: Orphanet 86814, MedGen C3809374, MONDO:0014167, OMIM 615400.

Allele frequency attached by ClinVar (database versions not stated): gnomAD 0.00001; gnomAD exomes 0.00001 and 0.00002; TOPMed 0.00001; ExAC 0.00002.
gnomAD v4.1: 15 of 1,613,874 alleles (0.00093%); highest among the groups gnomAD compares: Middle Eastern, 0.016%; no homozygotes.

Submission:

Labcorp Genetics (formerly Invitae), Labcorp
Classification: Uncertain significance for Epilepsy, familial adult myoclonic, 5. Last evaluated: 2023-07-25. Review status: criteria provided, single submitter. Criteria: Invitae Variant Classification Sherloc (09022015). Collection method: clinical testing. Allele origin: germline.
Comment: This sequence change replaces aspartic acid, which is acidic and polar, with asparagine, which is neutral and polar, at codon 519 of the CNTN2 protein (p.Asp519Asn). In summary, the available evidence is currently insufficient to determine the role of this variant in disease. Therefore, it has been classified as a Variant of Uncertain Significance. Advanced modeling of protein sequence and biophysical properties (such as structural, functional, and spatial information, amino acid conservation, physicochemical variation, residue mobility, and thermodynamic stability) performed at Invitae indicates that this missense variant is not expected to disrupt CNTN2 protein function. ClinVar contains an entry for this variant (Variation ID: 645327). This variant has not been reported in the literature in individuals affected with CNTN2-related conditions. This variant is present in population databases (rs779907671, gnomAD 0.003%).

NM_005076.5(CNTN2):c.1555G>A (p.Asp519Asn)

Gene: CNTN2 (contactin 2; plus strand). Cytogenetic location: 1q32.1.
Variant type: single nucleotide variant.
Coding change: c.1555G>A on transcript NM_005076.5 (MANE Select); coding-DNA position 1555, G replaced by A.
Protein change: p.Asp519Asn; replaces aspartic acid 519 with asparagine.
Molecular consequence: missense variant. On other transcripts: non-coding transcript variant (1).
Genome position (GRCh38, 1-based): chr1:205,065,122, G>A. VCF-style: chr1-205065122-G-A. GRCh37 (hg19) VCF-style: chr1-205034250-G-A.
Other names: c.1555G>A, p.Asp519Asn (NM_001346083.2); short protein forms D519N.
Identifiers: ClinVar variation 645327 (VCV000645327.8), dbSNP rs779907671, ClinGen allele CA1351420.